The following is an entry in ClinVar:

ClinVar aggregate classification (germline): Likely pathogenic (1 of 4 stars; one submission).

Submission:

GeneDx
Classification: Likely pathogenic. Last evaluated: 2015-07-15. Review status: criteria provided, single submitter. Criteria: GeneDx Variant Classification (06012015). Collection method: clinical testing. Allele origin: germline. Affected: yes.
Comment: The I131M variant has not been published as a pathogenic variant, nor has it been reported as a benign polymorphism to our knowledge. It was not observed in approximately 6,500 individuals of European and African American ancestry in the NHLBI Exome Sequencing Project, indicating it is not a common benign variant in these populations. The I131M variant is a conservative amino acid substitution, which is not likely to impact secondary protein structure as these residues share similar properties. However, this substitution occurs at a position that is conserved across species, and in silico analysis predicts this variant is probably damaging to the protein structure/function. Additionally, missense variants in nearby residues (C126Y; H127Y/R; V132G) have been reported in the Human Gene Mutation Database in association with CDKL5-related disorders (Stenson et al., 2014), supporting the functional importance of this region of the protein. Therefore, this variant is a strong candidate for a pathogenic variant, however the possibility that it is a benign variant cannot be excluded.

NM_001323289.2(CDKL5):c.393T>G (p.Ile131Met)

Gene: CDKL5 (cyclin dependent kinase like 5; plus strand). Cytogenetic location: Xp22.13.
Variant type: single nucleotide variant.
Coding change: c.393T>G on transcript NM_001323289.2 (MANE Select); coding-DNA position 393, T replaced by G.
Protein change: p.Ile131Met; replaces isoleucine 131 with methionine.
Molecular consequence: missense variant.
Genome position (GRCh38, 1-based): chrX:18,579,958, T>G. VCF-style: chrX-18579958-T-G. GRCh37 (hg19) VCF-style: chrX-18598078-T-G.
Other names: c.393T>G, p.Ile131Met (NM_001037343.2, NM_003159.3); short protein forms I131M.
Identifiers: ClinVar variation 427062 (VCV000427062.2), dbSNP rs1085307934, ClinGen allele CA412350393.
Genomic context (GRCh38, chrX:18,579,958, plus strand): 5'-AGTAAAAAGCTACATCTATCAGCTAATCAAGGCTATTCACTGGTGCCATAAGAATGATAT[T>G]GTCCATCGAGGTGAGTATGAGATTTTTAAAATGGAAAATATTAAAACATCAAATAAAGTT-3'
Protein context (NP_001310218.1, residues 121-141): KAIHWCHKND[Ile131Met]VHRDIKPENL